The following is an entry in ClinVar:

ClinVar aggregate classification (germline): Conflicting classifications of pathogenicity. Review status: criteria provided, conflicting classifications (1 of 4 stars). 3 submissions from 3 submitters: Uncertain significance (2); Likely benign (1). Last evaluated 2023-03-23.

Conditions:
Hereditary cancer-predisposing syndrome. Also called: Neoplastic Syndromes, Hereditary; Tumor predisposition; Hereditary Cancer Syndrome; Hereditary neoplastic syndrome. Identifiers: Orphanet 140162, MedGen C0027672, MeSH D009386, MONDO:0015356.
Hereditary breast ovarian cancer syndrome. Also called: Hereditary breast and ovarian cancer syndrome; Hereditary breast and ovarian cancer; Breast and ovarian cancer; Hereditary breast and ovarian cancer syndrome (HBOC); Hereditary breast and/or ovarian cancer syndrome; BRCA1- and BRCA2-Associated Hereditary Breast and Ovarian Cancer. Identifiers: Orphanet 145, MedGen C0677776, MeSH D061325, MONDO:0003582. Disease mechanism: loss of function.

Submissions (3):

University of Washington Department of Laboratory Medicine, University of Washington
Classification: Likely benign for Hereditary cancer-predisposing syndrome. Last evaluated: 2023-03-23. Review status: criteria provided, single submitter. Criteria: Dines et al. (Genet Med. 2020). Collection method: curation. Allele origin: germline.
Comment: Missense variant in a coldspot region where missense variants are very unlikely to be pathogenic (PMID:31911673).

BRCA2 exon 11 coldspot. Reclassification based on statistical prior probability.

Labcorp Genetics (formerly Invitae), Labcorp
Classification: Uncertain significance for Hereditary breast ovarian cancer syndrome. Last evaluated: 2023-01-05. Review status: criteria provided, single submitter. Criteria: Invitae Variant Classification Sherloc (09022015). Collection method: clinical testing. Allele origin: germline.
Comment: In summary, the available evidence is currently insufficient to determine the role of this variant in disease. Therefore, it has been classified as a Variant of Uncertain Significance. Advanced modeling of protein sequence and biophysical properties (such as structural, functional, and spatial information, amino acid conservation, physicochemical variation, residue mobility, and thermodynamic stability) performed at Invitae indicates that this missense variant is not expected to disrupt BRCA2 protein function. ClinVar contains an entry for this variant (Variation ID: 1732420). This variant has not been reported in the literature in individuals affected with BRCA2-related conditions. This variant is not present in population databases (gnomAD no frequency). This sequence change replaces lysine, which is basic and polar, with glutamic acid, which is acidic and polar, at codon 1180 of the BRCA2 protein (p.Lys1180Glu).

Ambry Genetics
Classification: Uncertain significance for Hereditary cancer-predisposing syndrome. Last evaluated: 2021-04-23. Review status: criteria provided, single submitter. Criteria: Ambry Variant Classification Scheme 2023. Collection method: clinical testing. Allele origin: germline.
Comment: The p.K1180E variant (also known as c.3538A>G), located in coding exon 10 of the BRCA2 gene, results from an A to G substitution at nucleotide position 3538. The lysine at codon 1180 is replaced by glutamic acid, an amino acid with similar properties. This amino acid position is not well conserved in available vertebrate species. In addition, this alteration is predicted to be tolerated by in silico analysis. Since supporting evidence is limited at this time, the clinical significance of this alteration remains unclear.

NM_000059.4(BRCA2):c.3538A>G (p.Lys1180Glu)

Gene: BRCA2 (BRCA2 DNA repair associated; plus strand). Cytogenetic location: 13q13.1.
Variant type: single nucleotide variant.
Coding change: c.3538A>G on transcript NM_000059.4 (MANE Select); coding-DNA position 3538, A replaced by G.
Protein change: p.Lys1180Glu; replaces lysine 1180 with glutamic acid.
Molecular consequence: missense variant.
Genome position (GRCh38, 1-based): chr13:32,337,893, A>G. VCF-style: chr13-32337893-A-G. GRCh37 (hg19) VCF-style: chr13-32912030-A-G.
Other names: c.3538A>G, p.Lys1180Glu (NM_001406719.1, NM_001406720.1); short protein forms K1180E.
Identifiers: ClinVar variation 1732420 (VCV001732420.7), dbSNP rs2137497630, ClinGen allele CA387777148.